The following is an entry in ClinVar:

NM_001277115.2(DNAH11):c.3775G>A (p.Ala1259Thr)

Gene: DNAH11 (dynein axonemal heavy chain 11; plus strand). Cytogenetic location: 7p15.3.
Variant type: single nucleotide variant.
Coding change: c.3775G>A on transcript NM_001277115.2 (MANE Select); coding-DNA position 3775, G replaced by A.
Protein change: p.Ala1259Thr; replaces alanine 1259 with threonine.
Molecular consequence: missense variant.
Genome position (GRCh38, 1-based): chr7:21,606,656, G>A. VCF-style: chr7-21606656-G-A. GRCh37 (hg19) VCF-style: chr7-21646274-G-A.
Other names: c.3775G>A, p.Ala1259Thr (NM_003777.3); c.3775G>A (NM_001277115.1); short protein forms A1259T.
Identifiers: ClinVar variation 2199965 (VCV002199965.7), dbSNP rs763751899, ClinGen allele CA4179759.
Genomic context (GRCh38, chr7:21,606,656, plus strand): 5'-AGTATTTGTTTGAAATTCACTTTTTTTTTTTTTTTTTTTTGCAATGATCAGGCAAAGCAG[G>A]CAGAGTTCAGAGAGAGATTCAGACACTATGCCCCTCTTGGATTTAATGCAGAAAATCCAT-3'
Protein context (NP_001264044.1, residues 1249-1269): KKCILFDAKQ[Ala1259Thr]EFRERFRHYA

ClinVar aggregate classification (germline): Conflicting classifications of pathogenicity. Review status: criteria provided, conflicting classifications (1 of 4 stars). 2 submissions from 2 submitters: Uncertain significance (1); Benign (1). Last evaluated 2024-09-14.

Conditions:
Primary ciliary dyskinesia. Also called: Ciliary dyskinesia. Identifiers: Orphanet 244, MedGen C0008780, MONDO:0016575, HP:0012265.

Allele frequency attached by ClinVar (database versions not stated): gnomAD 0.00001; ExAC 0.00004.
gnomAD v4.1: 15 of 1,575,194 alleles (0.00095%); highest among the groups gnomAD compares: East Asian, 0.02%; no homozygotes.

Submissions (2):

Ambry Genetics
Classification: Uncertain significance for Primary ciliary dyskinesia. Last evaluated: 2024-09-14. Review status: criteria provided, single submitter. Criteria: Ambry Variant Classification Scheme 2023. Collection method: clinical testing. Allele origin: germline.
Comment: The p.A1259T variant (also known as c.3775G>A), located in coding exon 20 of the DNAH11 gene, results from a G to A substitution at nucleotide position 3775. The alanine at codon 1259 is replaced by threonine, an amino acid with similar properties. This amino acid position is conserved. In addition, this alteration is predicted to be tolerated by in silico analysis. Based on the available evidence, the clinical significance of this variant remains unclear.

Labcorp Genetics (formerly Invitae), Labcorp
Classification: Benign for Primary ciliary dyskinesia. Last evaluated: 2024-09-14. Review status: criteria provided, single submitter. Criteria: Invitae Variant Classification Sherloc (09022015). Collection method: clinical testing. Allele origin: germline.